The following is an entry in ClinVar:

ClinVar aggregate classification (germline): Likely benign (1 of 4 stars; one submission).

Allele frequency attached by ClinVar (database versions not stated): ExAC 0.00001; gnomAD 0.00001; 1000 Genomes Project 30x 0.00016; 1000 Genomes Project 0.00020.
gnomAD v4.1: 2 of 1,489,330 alleles (0.00013%); highest among the groups gnomAD compares: South Asian, 0.0023%; no homozygotes.

Submission:

CeGaT Center for Human Genetics Tuebingen
Classification: Likely benign. Last evaluated: 2022-12-01. Review status: criteria provided, single submitter. Criteria: CeGaT Center For Human Genetics Tuebingen Variant Classification Criteria Version 2. Collection method: clinical testing. Allele origin: germline. Affected: yes. Observed: 1 variant allele.
Comment: EBF3: BP4, BP7

NM_001375380.1(EBF3):c.117C>G (p.Ala39=)

Gene: EBF3 (EBF transcription factor 3; minus strand). Cytogenetic location: 10q26.3.
Variant type: single nucleotide variant.
Coding change: c.117C>G on transcript NM_001375380.1 (MANE Select); coding-DNA position 117, C replaced by G.
Protein change: p.Ala39=; no amino-acid change (alanine 39 retained).
Molecular consequence: synonymous variant.
Genome position (GRCh38, 1-based): chr10:129,963,652, G>C on the plus strand (C>G on the coding strand, the complement: EBF3 is on the minus strand). VCF-style: chr10-129963652-G-C. GRCh37 (hg19) VCF-style: chr10-131761916-G-C.
Other names: c.117C>G, p.Ala39= (NM_001005463.3, NM_001375379.1, NM_001375389.1 and 3 more transcripts).
Identifiers: ClinVar variation 2640976 (VCV002640976.24), dbSNP rs553372063, ClinGen allele CA5748879.
Genomic context (GRCh38, chr10:129,963,652, plus strand): 5'-GCCGGGGCCGGGGCCAGGGCGCGCGGGGGCGGCCGGTACGTACCTCTGGGCGGCCGTGTT[G>C]GCGTCCACCACGCCCGCCGTGTGCATCCACGAGCGCACCGGGTTCATGCCGCTGCCCAGC-3'
Protein context (NP_001362309.1, residues 29-49): SWMHTAGVVD[Ala39=]NTAAQSGVGL